The following is an entry in ClinVar:

ClinVar aggregate classification (germline): Uncertain significance. Review status: criteria provided, multiple submitters, no conflicts (2 of 4 stars). 2 submissions from 2 submitters: Uncertain significance (2). Last evaluated 2025-09-11.

Conditions:
Inborn genetic diseases. Identifiers: MedGen C0950123, MeSH D030342.
Cole-Carpenter syndrome 2 (CLCRP2). Identifiers: Orphanet 2050, MedGen C4225382, MONDO:0014573, OMIM 616294.

gnomAD v4.1: 6 of 1,614,066 alleles (0.00037%); highest among the groups gnomAD compares: African/African-American, 0.0053%; no homozygotes.

Submissions (2):

Ambry Genetics
Classification: Uncertain significance for Inborn genetic diseases. Last evaluated: 2025-09-11. Review status: criteria provided, single submitter. Criteria: Ambry Variant Classification Scheme 2023. Collection method: clinical testing. Allele origin: germline.

ARUP Laboratories, Molecular Genetics and Genomics, ARUP Laboratories
Classification: Uncertain significance for Cole-Carpenter syndrome 2. Last evaluated: 2025-07-24. Review status: criteria provided, single submitter. Criteria: ARUP Molecular Germline Variant Investigation Process 2024. Collection method: clinical testing. Allele origin: germline.
Comment: The SEC24D c.722G>T; p.Gly241Val variant (rs1730083690), to our knowledge, is not reported in the medical literature or gene specific databases. This variant is also absent from the Genome Aggregation Database (v2.1.1), indicating it is not a common polymorphism. Computational analyses predict that this variant is neutral (REVEL: 0.112). Due to conflicting information, the clinical significance of this variant is uncertain at this time.

NM_014822.4(SEC24D):c.722G>T (p.Gly241Val)

Gene: SEC24D (SEC24 homolog D, COPII component; minus strand). Cytogenetic location: 4q26.
Variant type: single nucleotide variant.
Coding change: c.722G>T on transcript NM_014822.4 (MANE Select); coding-DNA position 722, G replaced by T.
Protein change: p.Gly241Val; replaces glycine 241 with valine.
Molecular consequence: missense variant.
Genome position (GRCh38, 1-based): chr4:118,815,107, C>A on the plus strand (G>T on the coding strand, the complement: SEC24D is on the minus strand). VCF-style: chr4-118815107-C-A. GRCh37 (hg19) VCF-style: chr4-119736262-C-A.
Other names: c.725G>T, p.Gly242Val (NM_001318066.2); short protein forms G241V, G242V.
Identifiers: ClinVar variation 4161785 (VCV004161785.2).